The following is an entry in ClinVar:

ClinVar aggregate classification (germline): Likely benign. Review status: criteria provided, multiple submitters, no conflicts (2 of 4 stars). 2 submissions from 2 submitters: Likely benign (2). Last evaluated 2026-01-02.

Conditions:
FAT1-related disorder. Also called: FAT1-related condition.

Allele frequency attached by ClinVar (database versions not stated): ExAC 0.00004; gnomAD 0.00004; gnomAD exomes 0.00005; TOPMed 0.00005.
gnomAD v4.1: 84 of 1,613,892 alleles (0.0052%); highest among the groups gnomAD compares: Non-Finnish European, 0.0067%; no homozygotes.

Submissions (2):

PreventionGenetics, part of Exact Sciences
Classification: Likely benign for FAT1-related condition. Last evaluated: 2026-01-02. Review status: criteria provided, single submitter. Criteria: ACMG Guidelines, 2015. Collection method: clinical testing. Allele origin: germline.
Comment: This variant is classified as likely benign based on ACMG/AMP sequence variant interpretation guidelines (Richards et al. 2015 PMID: 25741868, with internal and published modifications).

Labcorp Genetics (formerly Invitae), Labcorp
Classification: Likely benign. Last evaluated: 2023-12-25. Review status: criteria provided, single submitter. Criteria: Invitae Variant Classification Sherloc (09022015). Collection method: clinical testing. Allele origin: germline.

NM_005245.4(FAT1):c.6063C>T (p.Arg2021=)

Gene: FAT1 (FAT atypical cadherin 1; minus strand). Cytogenetic location: 4q35.2.
Variant type: single nucleotide variant.
Coding change: c.6063C>T on transcript NM_005245.4 (MANE Select); coding-DNA position 6063, C replaced by T.
Protein change: p.Arg2021=; no amino-acid change (arginine 2021 retained).
Molecular consequence: synonymous variant.
Genome position (GRCh38, 1-based): chr4:186,620,523, G>A on the plus strand (C>T on the coding strand, the complement: FAT1 is on the minus strand). VCF-style: chr4-186620523-G-A. GRCh37 (hg19) VCF-style: chr4-187541677-G-A.
Other names: c.6063C>T (NM_005245.3).
Identifiers: ClinVar variation 2163975 (VCV002163975.5), dbSNP rs754072985, ClinGen allele CA3166321.